The following is an entry in ClinVar:

ClinVar aggregate classification (germline): Uncertain significance (1 of 4 stars; one submission).

gnomAD v4.1: 3 of 1,613,776 alleles (0.00019%); no homozygotes.

Submission:

Labcorp Genetics (formerly Invitae), Labcorp
Classification: Uncertain significance. Last evaluated: 2023-06-23. Review status: criteria provided, single submitter. Criteria: Invitae Variant Classification Sherloc (09022015). Collection method: clinical testing. Allele origin: germline.
Comment: This sequence change replaces arginine, which is basic and polar, with serine, which is neutral and polar, at codon 599 of the PLOD3 protein (p.Arg599Ser). This variant is present in population databases (rs139049819, gnomAD 0.004%). This variant has not been reported in the literature in individuals affected with PLOD3-related conditions. Advanced modeling of protein sequence and biophysical properties (such as structural, functional, and spatial information, amino acid conservation, physicochemical variation, residue mobility, and thermodynamic stability) performed at Invitae indicates that this missense variant is expected to disrupt PLOD3 protein function. In summary, the available evidence is currently insufficient to determine the role of this variant in disease. Therefore, it has been classified as a Variant of Uncertain Significance.

NM_001084.5(PLOD3):c.1797G>C (p.Arg599Ser)

Gene: PLOD3 (procollagen-lysine,2-oxoglutarate 5-dioxygenase 3; minus strand). Cytogenetic location: 7q22.1.
Variant type: single nucleotide variant.
Coding change: c.1797G>C on transcript NM_001084.5 (MANE Select); coding-DNA position 1797, G replaced by C.
Protein change: p.Arg599Ser; replaces arginine 599 with serine.
Molecular consequence: missense variant.
Genome position (GRCh38, 1-based): chr7:101,207,716, C>G on the plus strand (G>C on the coding strand, the complement: PLOD3 is on the minus strand). VCF-style: chr7-101207716-C-G. GRCh37 (hg19) VCF-style: chr7-100850997-C-G.
Other names: short protein forms R599S.
Identifiers: ClinVar variation 2726679 (VCV002726679.3), dbSNP rs139049819, ClinGen allele CA4407506.